The following is an entry in ClinVar:

ClinVar aggregate classification (germline): Uncertain significance (1 of 4 stars; one submission).

Conditions:
Inborn genetic diseases. Identifiers: MedGen C0950123, MeSH D030342.

gnomAD v4.1: 10 of 1,613,136 alleles (0.00062%); highest among the groups gnomAD compares: Non-Finnish European, 0.00068%; no homozygotes.

Submission:

Ambry Genetics
Classification: Uncertain significance for Inborn genetic diseases. Last evaluated: 2024-12-03. Review status: criteria provided, single submitter. Criteria: Ambry Variant Classification Scheme 2023. Collection method: clinical testing. Allele origin: germline.
Comment: The p.I1530V variant (also known as c.4588A>G), located in coding exon 31 of the ANKRD26 gene, results from an A to G substitution at nucleotide position 4588. The isoleucine at codon 1530 is replaced by valine, an amino acid with highly similar properties. This amino acid position is conserved. In addition, this alteration is predicted to be tolerated by in silico analysis. Based on the available evidence, the clinical significance of this variant remains unclear.

NM_014915.3(ANKRD26):c.4588A>G (p.Ile1530Val)

Gene: ANKRD26 (ankyrin repeat domain containing 26; minus strand). Cytogenetic location: 10p12.1.
Variant type: single nucleotide variant.
Coding change: c.4588A>G on transcript NM_014915.3 (MANE Select); coding-DNA position 4588, A replaced by G.
Protein change: p.Ile1530Val; replaces isoleucine 1530 with valine.
Molecular consequence: missense variant.
Genome position (GRCh38, 1-based): chr10:27,014,630, T>C on the plus strand (A>G on the coding strand, the complement: ANKRD26 is on the minus strand). VCF-style: chr10-27014630-T-C. GRCh37 (hg19) VCF-style: chr10-27303559-T-C.
Other names: c.4585A>G, p.Ile1529Val (NM_001256053.2); short protein forms I1529V, I1530V.
Identifiers: ClinVar variation 3396398 (VCV003396398.1).